The following is an entry in ClinVar:

ClinVar aggregate classification (germline): Pathogenic/Likely pathogenic. Review status: criteria provided, multiple submitters, no conflicts (2 of 4 stars). 5 submissions from 5 submitters: Pathogenic (4); Likely pathogenic (1). Last evaluated 2025-10-22.

Conditions:
Developmental and epileptic encephalopathy 92. Also called: EPILEPTIC ENCEPHALOPATHY, INFANTILE OR EARLY CHILDHOOD, 2. Identifiers: MedGen C4693362, MONDO:0020631, OMIM 617829.
Intellectual disability. Also called: Intellectual functioning disability; intellectual disabilities; Intellectual developmental disorder. Identifiers: MedGen C3714756, MeSH D008607, MONDO:0001071, HP:0001249.

Allele frequency attached by ClinVar (database versions not stated): gnomAD exomes below 0.00001.
gnomAD v4.1: 2 of 1,614,094 alleles (0.00012%); highest among the groups gnomAD compares: Non-Finnish European, 0.00017%; no homozygotes.

Submissions (5):

Clinical Genetics Laboratory, University Hospital Schleswig-Holstein
Classification: Pathogenic for Developmental and epileptic encephalopathy 92. Last evaluated: 2025-10-22. Review status: criteria provided, single submitter. Criteria: ACMG Guidelines, 2015. Collection method: clinical testing. Allele origin: maternal. Affected: yes. Observed: 1 heterozygote.
Comment: ACMG criteria applied: PM2, PS4_Moderate, PP3, PM1, PS3_Supporting, PM6, PP1

Labcorp Genetics (formerly Invitae), Labcorp
Classification: Pathogenic for Intellectual disability. Last evaluated: 2025-01-23. Review status: criteria provided, single submitter. Criteria: Invitae Variant Classification Sherloc (09022015). Collection method: clinical testing. Allele origin: germline.
Comment: This sequence change replaces valine, which is neutral and non-polar, with isoleucine, which is neutral and non-polar, at codon 316 of the GABRB2 protein (p.Val316Ile). This variant is not present in population databases (gnomAD no frequency). This missense change has been observed in individual(s) with clinical features of GABRB2-related conditions (PMID: 29100083, 30033060). In at least one individual the variant was observed to be de novo. ClinVar contains an entry for this variant (Variation ID: 546260). Invitae Evidence Modeling of protein sequence and biophysical properties (such as structural, functional, and spatial information, amino acid conservation, physicochemical variation, residue mobility, and thermodynamic stability) indicates that this missense variant is not expected to disrupt GABRB2 protein function with a negative predictive value of 95%. Experimental studies have shown that this missense change affects GABRB2 function (PMID: 30033060). For these reasons, this variant has been classified as Pathogenic.

CeGaT Center for Human Genetics Tuebingen
Classification: Pathogenic. Last evaluated: 2024-11-01. Review status: criteria provided, single submitter. Criteria: CeGaT Center For Human Genetics Tuebingen Variant Classification Criteria Version 2. Collection method: clinical testing. Allele origin: germline. Affected: yes. Observed: 1 variant allele.
Comment: GABRB2: PS2, PM2, PS4:Moderate, PP1, PP2, PP3, PS3:Supporting

Institute of Human Genetics, University of Leipzig Medical Center
Classification: Likely pathogenic for Developmental and epileptic encephalopathy 92. Last evaluated: 2023-09-27. Review status: criteria provided, single submitter. Criteria: ACMG Guidelines, 2015. Collection method: clinical testing. Allele origin: unknown. Inheritance: Autosomal dominant inheritance. Affected: yes.
Comment: Criteria applied: PS2,PS4_MOD,PM2_SUP,PP2,PP3

GeneDx
Classification: Pathogenic. Last evaluated: 2023-05-23. Review status: criteria provided, single submitter. Criteria: GeneDx Variant Classification Process June 2021. Collection method: clinical testing. Allele origin: germline. Affected: yes.
Comment: Published functional studies demonstrate significant reduction in current amplitudes of GABA receptors (May et al., 2018); Not observed at significant frequency in large population cohorts (gnomAD); In silico analysis supports that this missense variant does not alter protein structure/function; This variant is associated with the following publications: (PMID: 29100083, 30033060, 30851244, 34489640, 34840901, 32347641, 33325057, 31981491)

Literature cited by the submitters: PubMed 29100083 (cited by Labcorp Genetics (formerly Invitae), Labcorp); PubMed 30033060 (cited by Labcorp Genetics (formerly Invitae), Labcorp).

NM_001371727.1(GABRB2):c.946G>A (p.Val316Ile)

Gene: GABRB2 (gamma-aminobutyric acid type A receptor subunit beta2; minus strand). Cytogenetic location: 5q34.
Variant type: single nucleotide variant.
Coding change: c.946G>A on transcript NM_001371727.1 (MANE Select); coding-DNA position 946, G replaced by A.
Protein change: p.Val316Ile; replaces valine 316 with isoleucine.
Molecular consequence: missense variant.
Genome position (GRCh38, 1-based): chr5:161,331,014, C>T on the plus strand (G>A on the coding strand, the complement: GABRB2 is on the minus strand). VCF-style: chr5-161331014-C-T. GRCh37 (hg19) VCF-style: chr5-160758021-C-T.
Other names: c.946G>A, p.Val316Ile (NM_000813.3, NM_021911.3); short protein forms V316I.
Identifiers: ClinVar variation 546260 (VCV000546260.27), dbSNP rs1554093884, ClinGen allele CA362175273.